The following is an entry in ClinVar:

NM_000038.6(APC):c.657C>T (p.Ala219=)

Gene: APC (APC regulator of Wnt signaling pathway; plus strand). Cytogenetic location: 5q22.2.
Variant type: single nucleotide variant.
Coding change: c.657C>T on transcript NM_000038.6 (MANE Select); coding-DNA position 657, C replaced by T.
Protein change: p.Ala219=; no amino-acid change (alanine 219 retained).
Molecular consequence: synonymous variant. On other transcripts: 5 prime UTR variant (4), non-coding transcript variant (2), intron variant (5).
Genome position (GRCh38, 1-based): chr5:112,792,457, C>T. VCF-style: chr5-112792457-C-T. GRCh37 (hg19) VCF-style: chr5-112128154-C-T.
Other names: c.657C>T, p.Ala219= (NM_001127510.3, NM_001354895.2, NM_001354896.2 and 12 more transcripts); c.687C>T, p.Ala229= (NM_001354897.2, NM_001354902.2, NM_001407446.1); c.582C>T, p.Ala194= (NM_001354898.2, NM_001354904.2, NM_001407451.1); c.480C>T, p.Ala160= (NM_001354900.2, NM_001354901.2, NM_001354905.2 and 1 more transcripts); c.-379C>T (NM_001354906.2, NM_001407470.1, NM_001407471.1 and 1 more transcripts); c.646-8822C>T (NM_001407452.1, NM_001407469.1, NM_001354899.2 and 1 more transcripts); c.676-8822C>T (NM_001127511.3).
Identifiers: ClinVar variation 2587026 (VCV002587026.21), dbSNP rs2149684115, ClinGen allele CA445755555.
Genomic context (GRCh38, chr5:112,792,457, plus strand): 5'-AATATTATTAATAAAAACATAACTAATTAGGTTTCTTGTTTTATTTTAGCGAAGAATAGC[C>T]AGAATTCAGCAAATCGAAAAGGACATACTTCGTATACGACAGCTTTTACAGTCCCAAGCA-3'
Protein context (NP_000029.2, residues 209-229): DMEKRAQRRI[Ala219=]RIQQIEKDIL

ClinVar aggregate classification (germline): Likely benign. Review status: criteria provided, multiple submitters, no conflicts (2 of 4 stars). 2 submissions from 2 submitters: Likely benign (2). Last evaluated 2024-05-01.

Conditions:
Hereditary cancer-predisposing syndrome. Also called: Neoplastic Syndromes, Hereditary; Tumor predisposition; Hereditary Cancer Syndrome; Hereditary neoplastic syndrome. Identifiers: Orphanet 140162, MedGen C0027672, MeSH D009386, MONDO:0015356.

Submissions (2):

CeGaT Center for Human Genetics Tuebingen
Classification: Likely benign. Last evaluated: 2024-05-01. Review status: criteria provided, single submitter. Criteria: CeGaT Center For Human Genetics Tuebingen Variant Classification Criteria Version 2. Collection method: clinical testing. Allele origin: germline. Affected: yes. Observed: 1 variant allele.
Comment: APC: PM2:Supporting, BP4, BP7

Ambry Genetics
Classification: Likely benign for Hereditary cancer-predisposing syndrome. Last evaluated: 2023-09-01. Review status: criteria provided, single submitter. Criteria: Ambry Variant Classification Scheme 2023. Collection method: clinical testing. Allele origin: germline.